The following is an entry in ClinVar:

NM_014244.5(ADAMTS2):c.71CGC[5] (p.Pro25_Pro26dup)

Gene: ADAMTS2 (ADAM metallopeptidase with thrombospondin type 1 motif 2; minus strand). Cytogenetic location: 5q35.3.
Variant type: Microsatellite.
Coding change: c.71CGC[5] on transcript NM_014244.5 (MANE Select); five copies in a row of the 3-base unit CGC starting at c.71; the reference has three copies in a row; two copies, 6 bases duplicated.
Protein change: p.Pro25_Pro26dup.
Molecular consequence: inframe insertion.
Genome position (GRCh38, 1-based): chr5:179,345,250-179,345,255, GCGGCG duplicated on the plus strand (CGCCGC on the coding strand, the reverse complement: ADAMTS2 is on the minus strand); duplicating any 6 consecutive bases within chr5:179,345,250-179,345,260 gives the same sequence; the position shown is the placement nearest the transcript's 3' end. VCF-style (leftmost placement, unchanged base first): chr5-179345249-A-AGCGGCG. GRCh37 (hg19) VCF-style: chr5-178772250-A-AGCGGCG.
Other names: c.71CGC[5], p.Pro25_Pro26dup (NM_021599.4); c.74_79dupCGCCGC (NM_014244.5).
Identifiers: ClinVar variation 663920 (VCV000663920.8), dbSNP rs763392299, ClinGen allele CA565121222.
Genomic context (GRCh38, chr5:179,345,249, plus strand): 5'-CCTGGGGGGTCGGCGGCGGCGGCGAGCCTGGCGTTCGCGGGCGGCGGCGGCGGCGGCAGG[A>AGCGGCG]GCGGCGGCGGCAGCAGCAGCAGCAGCAGCAGCAGCGCGGGGCAGAGCAGGCGGCGAGCGG-3'

ClinVar aggregate classification (germline): Uncertain significance. Review status: criteria provided, single submitter (1 of 4 stars). 2 submissions from 2 submitters: Uncertain significance (1). 1 of the submissions does not count toward it. Last evaluated 2022-07-26.

Conditions:
Ehlers-Danlos syndrome, dermatosparaxis type. Also called: Ehlers-Danlos syndrome, type VII, autosomal recessive; EDS VIIC; Dermatosparaxis. Identifiers: Orphanet 1901, MedGen C2700425, MONDO:0009161, OMIM 225410.

Submissions (2):

Labcorp Genetics (formerly Invitae), Labcorp
Classification: Uncertain significance for Ehlers-Danlos syndrome, dermatosparaxis type. Last evaluated: 2022-07-26. Review status: criteria provided, single submitter. Criteria: Invitae Variant Classification Sherloc (09022015). Collection method: clinical testing. Allele origin: germline.
Comment: This variant, c.74_79dup, results in the insertion of 2 amino acid(s) of the ADAMTS2 protein (p.Pro25_Pro26dup), but otherwise preserves the integrity of the reading frame. The frequency data for this variant in the population databases is considered unreliable, as metrics indicate poor data quality at this position in the gnomAD database. This variant has not been reported in the literature in individuals affected with ADAMTS2-related conditions. ClinVar contains an entry for this variant (Variation ID: 663920). Experimental studies and prediction algorithms are not available or were not evaluated, and the functional significance of this variant is currently unknown. In summary, the available evidence is currently insufficient to determine the role of this variant in disease. Therefore, it has been classified as a Variant of Uncertain Significance.

Natera, Inc.
Classification: Uncertain significance for Ehlers-Danlos syndrome type VIIC. Last evaluated: 2020-01-24. Review status: no assertion criteria provided. Collection method: clinical testing. Allele origin: germline. Not counted in ClinVar's aggregate classification.